The following is an entry in ClinVar:

ClinVar aggregate classification (germline): Uncertain significance (1 of 4 stars; one submission).

Conditions:
Familial hemophagocytic lymphohistiocytosis 4 (FHL4). Also called: STX11-Related Familial Hemophagocytic Lymphohistiocytosis (STX11-fHLH). Identifiers: Orphanet 540, MedGen C1863728, MONDO:0011336, OMIM 603552.

gnomAD v4.1: 1 of 1,610,744 alleles (0.000062%); highest among the groups gnomAD compares: Non-Finnish European, 0.000085%; no homozygotes.

Submission:

Labcorp Genetics (formerly Invitae), Labcorp
Classification: Uncertain significance for Familial hemophagocytic lymphohistiocytosis 4. Last evaluated: 2021-05-05. Review status: criteria provided, single submitter. Criteria: Invitae Variant Classification Sherloc (09022015). Collection method: clinical testing. Allele origin: germline.
Comment: In summary, the available evidence is currently insufficient to determine the role of this variant in disease. Therefore, it has been classified as a Variant of Uncertain Significance. Algorithms developed to predict the effect of missense changes on protein structure and function are either unavailable or do not agree on the potential impact of this missense change (SIFT: "Deleterious"; PolyPhen-2: "Probably Damaging"; Align-GVGD: "Class C0"). This variant is not present in population databases (ExAC no frequency). This variant has not been reported in the literature in individuals with STX11-related conditions. This sequence change replaces glycine with arginine at codon 97 of the STX11 protein (p.Gly97Arg). The glycine residue is moderately conserved and there is a moderate physicochemical difference between glycine and arginine.

NM_003764.4(STX11):c.289G>C (p.Gly97Arg)

Gene: STX11 (syntaxin 11; plus strand). Cytogenetic location: 6q24.2.
Variant type: single nucleotide variant.
Coding change: c.289G>C on transcript NM_003764.4 (MANE Select); coding-DNA position 289, G replaced by C.
Protein change: p.Gly97Arg; replaces glycine 97 with arginine.
Molecular consequence: missense variant.
Genome position (GRCh38, 1-based): chr6:144,186,916, G>C. VCF-style: chr6-144186916-G-C. GRCh37 (hg19) VCF-style: chr6-144508053-G-C.
Other names: short protein forms G97R.
Identifiers: ClinVar variation 1425938 (VCV001425938.8), dbSNP rs1242174048, ClinGen allele CA365948924.